The following is an entry in ClinVar:

ClinVar aggregate classification (germline): Uncertain significance (1 of 4 stars; one submission).

Submission:

Labcorp Genetics (formerly Invitae), Labcorp
Classification: Uncertain significance. Last evaluated: 2024-05-01. Review status: criteria provided, single submitter. Criteria: Invitae Variant Classification Sherloc (09022015). Collection method: clinical testing. Allele origin: germline.
Comment: This sequence change replaces leucine, which is neutral and non-polar, with phenylalanine, which is neutral and non-polar, at codon 664 of the ITSN2 protein (p.Leu664Phe). This variant is not present in population databases (gnomAD no frequency). This variant has not been reported in the literature in individuals affected with ITSN2-related conditions. Experimental studies and prediction algorithms are not available or were not evaluated, and the functional significance of this variant is currently unknown. In summary, the available evidence is currently insufficient to determine the role of this variant in disease. Therefore, it has been classified as a Variant of Uncertain Significance.

NM_006277.3(ITSN2):c.1990C>T (p.Leu664Phe)

Gene: ITSN2 (intersectin 2; minus strand). Cytogenetic location: 2p23.3.
Variant type: single nucleotide variant.
Coding change: c.1990C>T on transcript NM_006277.3 (MANE Select); coding-DNA position 1990, C replaced by T.
Protein change: p.Leu664Phe; replaces leucine 664 with phenylalanine.
Molecular consequence: missense variant.
Genome position (GRCh38, 1-based): chr2:24,275,804, G>A on the plus strand (C>T on the coding strand, the complement: ITSN2 is on the minus strand). VCF-style: chr2-24275804-G-A. GRCh37 (hg19) VCF-style: chr2-24498673-G-A.
Other names: c.1990C>T, p.Leu664Phe (NM_147152.3, NM_001348185.2); c.1948C>T, p.Leu650Phe (NM_001348181.2); c.1909C>T, p.Leu637Phe (NM_001348182.2, NM_001348183.2, NM_001348186.2 and 1 more transcripts); c.1867C>T, p.Leu623Phe (NM_001348184.2); short protein forms L623F, L637F, L650F, L664F.
Identifiers: ClinVar variation 3719147 (VCV003719147.2).
Genomic context (GRCh38, chr2:24,275,804, plus strand): 5'-GCATTAGTTCTAATCTTTTCCTTTCAATTTCCTTCAACTTGTCACGTTTGATCTTATAAA[G>A]CTGTTCAAGGGCTAACTGCTGTGTGTTGTAGGTTTCTCTCAGTTCCTAAGGAGAAAAAGA-3'
Protein context (NP_006268.2, residues 654-674): YNTQQLALEQ[Leu664Phe]YKIKRDKLKE